The following is an entry in ClinVar:

ClinVar aggregate classification (germline): Benign. Review status: criteria provided, multiple submitters, no conflicts (2 of 4 stars). 4 submissions from 4 submitters: Benign (4). Last evaluated 2026-07-01.

Conditions:
Monogenic diabetes. Identifiers: Orphanet 183625, MedGen C3888631, MONDO:0015967.

Allele frequency attached by ClinVar (database versions not stated): 1000 Genomes Project 0.00439; 1000 Genomes Project 30x 0.00453; TOPMed 0.00691; ESP Exome Variant Server 0.00762; gnomAD 0.01052 and 0.01084; gnomAD exomes 0.01251; ExAC 0.01346.

Submissions (4):

CeGaT Center for Human Genetics Tuebingen
Classification: Benign. Last evaluated: 2026-07-01. Review status: criteria provided, single submitter. Criteria: CeGaT Center For Human Genetics Tuebingen Variant Classification Criteria Version 2. Collection method: clinical testing. Allele origin: germline. Affected: yes. Observed: 4 variant alleles.
Comment: PLIN1: BP4, BS1, BS2

Mayo Clinic Laboratories, Mayo Clinic
Classification: Benign. Last evaluated: 2022-04-26. Review status: criteria provided, single submitter. Criteria: ACMG Guidelines, 2015. Collection method: clinical testing. Allele origin: germline. Observed: 1 variant allele.

Personalized Diabetes Medicine Program, University of Maryland School of Medicine
Classification: Benign for Monogenic diabetes. Last evaluated: 2019-02-01. Review status: criteria provided, single submitter. Criteria: ACMG Guidelines, 2015. Collection method: research. Allele origin: unknown. Observed: 7 variant alleles, 7 heterozygotes.
Comment: ACMG criteria: BP4 (REVEL 0.046 + 8 predictors), not using PP3 (2 predictors)), BA1 (5.3% in gnomAD EF, MAF 1.5% overall), BS2 (204 cases and 197 controls in an online resource)= benign

Breakthrough Genomics
Classification: Benign. Review status: criteria provided, single submitter. Criteria: ACMG Guidelines, 2015. Collection method: not provided. Allele origin: germline. Inheritance: Autosomal dominant inheritance. Affected: yes.

NM_002666.5(PLIN1):c.466G>T (p.Val156Leu)

Gene: PLIN1 (perilipin 1; minus strand). Cytogenetic location: 15q26.1.
Variant type: single nucleotide variant.
Coding change: c.466G>T on transcript NM_002666.5 (MANE Select); coding-DNA position 466, G replaced by T.
Protein change: p.Val156Leu; replaces valine 156 with leucine.
Molecular consequence: missense variant.
Genome position (GRCh38, 1-based): chr15:89,670,112, C>A on the plus strand (G>T on the coding strand, the complement: PLIN1 is on the minus strand). VCF-style: chr15-89670112-C-A. GRCh37 (hg19) VCF-style: chr15-90213343-C-A.
Other names: p.Val156Leu; c.466G>T, p.Val156Leu (NM_001145311.2); short protein forms V156L.
Identifiers: ClinVar variation 393439 (VCV000393439.29), dbSNP rs111663599, ClinGen allele CA7729040.
Genomic context (GRCh38, chr15:89,670,112, plus strand): 5'-CTCCAGAAGCCAGTCGGCCAGCTCGAGTGTTGGCAGCAAATTCCGCAGTGTCTCTGGCCA[C>A]CCCCCAGGCAAGCTCGCACCCGGCCAAAGCGGCCCCCAGGACCTTGTCTGAAGTGCTCGC-3'
Protein context (NP_002657.3, residues 146-166): ALAGCELAWG[Val156Leu]ARDTAEFAAN